The following is an entry in ClinVar:

NM_006269.2(RP1):c.6385G>C (p.Glu2129Gln)

Gene: RP1 (RP1 axonemal microtubule associated; plus strand). Cytogenetic location: 8q12.1.
Variant type: single nucleotide variant.
Coding change: c.6385G>C on transcript NM_006269.2 (MANE Select); coding-DNA position 6385, G replaced by C.
Protein change: p.Glu2129Gln; replaces glutamic acid 2129 with glutamine.
Molecular consequence: missense variant. On other transcripts: intron variant (1).
Genome position (GRCh38, 1-based): chr8:54,630,267, G>C. VCF-style: chr8-54630267-G-C. GRCh37 (hg19) VCF-style: chr8-55542827-G-C.
Other names: c.787+7979G>C (NM_001375654.1); short protein forms E2129Q.
Identifiers: ClinVar variation 1963725 (VCV001963725.5), dbSNP rs148804709, ClinGen allele CA4752233.

ClinVar aggregate classification (germline): Uncertain significance (1 of 4 stars; one submission).

Allele frequency attached by ClinVar (database versions not stated): ExAC 0.00001; gnomAD 0.00002; TOPMed 0.00004; ESP Exome Variant Server 0.00008.
gnomAD v4.1: 4 of 1,613,558 alleles (0.00025%); highest among the groups gnomAD compares: African/African-American, 0.0053%; no homozygotes.

Submission:

Labcorp Genetics (formerly Invitae), Labcorp
Classification: Uncertain significance. Last evaluated: 2022-07-21. Review status: criteria provided, single submitter. Criteria: Invitae Variant Classification Sherloc (09022015). Collection method: clinical testing. Allele origin: germline.
Comment: In summary, the available evidence is currently insufficient to determine the role of this variant in disease. Therefore, it has been classified as a Variant of Uncertain Significance. Algorithms developed to predict the effect of missense changes on protein structure and function (SIFT, PolyPhen-2, Align-GVGD) all suggest that this variant is likely to be tolerated. This variant has not been reported in the literature in individuals affected with RP1-related conditions. This variant is present in population databases (rs148804709, gnomAD 0.01%). This sequence change replaces glutamic acid, which is acidic and polar, with glutamine, which is neutral and polar, at codon 2129 of the RP1 protein (p.Glu2129Gln).